The following is an entry in ClinVar:

NM_000384.3(APOB):c.12901G>A (p.Asp4301Asn)

Gene: APOB (apolipoprotein B; minus strand). Cytogenetic location: 2p24.1.
Variant type: single nucleotide variant.
Coding change: c.12901G>A on transcript NM_000384.3 (MANE Select); coding-DNA position 12901, G replaced by A.
Protein change: p.Asp4301Asn; replaces aspartic acid 4301 with asparagine.
Molecular consequence: missense variant.
Genome position (GRCh38, 1-based): chr2:21,002,521, C>T on the plus strand (G>A on the coding strand, the complement: APOB is on the minus strand). VCF-style: chr2-21002521-C-T. GRCh37 (hg19) VCF-style: chr2-21225393-C-T.
Other names: short protein forms D4301N.
Identifiers: ClinVar variation 4829698 (VCV004829698.1).

ClinVar aggregate classification (germline): Uncertain significance (1 of 4 stars; one submission).

Conditions:
Cardiovascular phenotype. Identifiers: MedGen CN230736.

gnomAD v4.1: 8 of 1,613,488 alleles (0.0005%); highest among the groups gnomAD compares: Non-Finnish European, 0.00068%; no homozygotes.

Submission:

Ambry Genetics
Classification: Uncertain significance for Cardiovascular phenotype. Last evaluated: 2025-12-26. Review status: criteria provided, single submitter. Criteria: Ambry Variant Classification Scheme 2023. Collection method: clinical testing. Allele origin: germline.
Comment: The p.D4301N variant (also known as c.12901G>A), located in coding exon 29 of the APOB gene, results from a G to A substitution at nucleotide position 12901. The aspartic acid at codon 4301 is replaced by asparagine, an amino acid with highly similar properties. This amino acid position is conserved. In addition, this alteration is predicted to be tolerated by in silico analysis. Based on the available evidence, the clinical significance of this variant remains unclear.